The following is an entry in ClinVar:

NM_022124.6(CDH23):c.7903G>T (p.Val2635Phe)

Genes: CDH23 (cadherin related 23; plus strand), LOC111982869 (Sharpr-MPRA regulatory region 2121; plus strand). Cytogenetic location: 10q22.1.
Variant type: single nucleotide variant.
Coding change: c.7903G>T on transcript NM_022124.6 (MANE Select); coding-DNA position 7903, G replaced by T.
Protein change: p.Val2635Phe; replaces valine 2635 with phenylalanine.
Molecular consequence: missense variant.
Genome position (GRCh38, 1-based): chr10:71,805,836, G>T. VCF-style: chr10-71805836-G-T. GRCh37 (hg19) VCF-style: chr10-73565593-G-T.
Other names: c.1183G>T, p.Val395Phe (NM_001171933.1, NM_001171934.1); short protein forms V2635F, V395F.
Identifiers: ClinVar variation 228503 (VCV000228503.11), dbSNP rs763721044, ClinGen allele CA5546477.

ClinVar aggregate classification (germline): Conflicting classifications of pathogenicity. Review status: criteria provided, conflicting classifications (1 of 4 stars). 7 submissions from 7 submitters: Pathogenic (1); Likely pathogenic (3); Uncertain significance (2). 1 of the submissions does not count toward it. Last evaluated 2025-02-07.

Conditions:
CDH23-related disorder. Also called: CDH23-related condition; CDH23-related disorders.
Autosomal recessive nonsyndromic hearing loss 12. Also called: DEAFNESS, AUTOSOMAL RECESSIVE 12. Identifiers: Orphanet 90636, MedGen C1832394, MONDO:0011067, OMIM 601386.
Pituitary adenoma 5, multiple types. Identifiers: MedGen C4539685, MONDO:0054601, OMIM 617540.
Usher syndrome type 1D (USH1D). Also called: USHER SYNDROME, TYPE ID. Identifiers: Orphanet 231169, Orphanet 886, MedGen C1832845, MONDO:0010984, OMIM 601067.
Hearing loss, autosomal recessive. Also called: Nonsyndromic Hearing Loss, Recessive; Autosomal recessive nonsyndromic deafness; Rare autosomal recessive non-syndromic sensorineural deafness type DFNB; Deafness, autosomal recessive. Identifiers: Orphanet 90635, Orphanet 90636, MedGen C1846647, MONDO:0019588, OMIM 607197.

Allele frequency attached by ClinVar (database versions not stated): gnomAD exomes 0.00001 and 0.00003; TOPMed 0.00001; gnomAD 0.00002; ExAC 0.00004.
gnomAD v4.1: 11 of 1,613,662 alleles (0.00068%); highest among the groups gnomAD compares: Admixed American, 0.015%; no homozygotes.

Submissions (7):

3billion
Classification: Likely pathogenic for Autosomal recessive nonsyndromic hearing loss 12. Last evaluated: 2025-02-07. Review status: criteria provided, single submitter. Criteria: ACMG Guidelines, 2015. Collection method: clinical testing. Allele origin: germline. Affected: yes.
Comment: The variant is observed at an extremely low frequency in the gnomAD v4.1.0 dataset (total allele frequency: <0.001%). Predicted Consequence/Location: Missense variant. The majority of the known disease-causing variants of this gene are variants expected to result in premature termination of the protein. In silico tool predictions suggest damaging effect of the variant on gene or gene product [3Cnet: 0.66 (>=0.6, sensitivity 0.72 and precision 0.9)]. The same nucleotide change resulting in the same amino acid change has been previously reported as pathogenic/likely pathogenic with strong evidence (ClinVar ID: VCV000228503 /PMID: 19888295). Therefore, this variant is classified as Likely pathogenic according to the recommendation of ACMG/AMP guideline.

Laboratory of Human Genetics, Universidade de São Paulo
Classification: Likely pathogenic for Hearing loss, autosomal recessive. Last evaluated: 2024-05-01. Review status: criteria provided, single submitter. Criteria: ClinGen HL ACMG Specifications v1. Collection method: research. Allele origin: maternal. Affected: yes. Observed: 2 variant alleles.
Comment: The CDH23:NM_022124.5:c.7903G>T variant has extremely low frequency in gnomAD population databases (PM2), reported in ClinVar in affected individuals (PP5), Cosegregation with disease in two affected family members in a gene definitively known to cause the disease (PP1), computational prediction tools unanimously support a deleterious effect on the gene (PP3). Here it was found in trans with c.3820G>A in two affected siblings, born from unaffected unrelated couple.

Fulgent Genetics
Classification: Likely pathogenic for Usher syndrome type 1D; Autosomal recessive nonsyndromic hearing loss 12; Pituitary adenoma 5, multiple types. Last evaluated: 2024-03-26. Review status: criteria provided, single submitter. Criteria: ACMG Guidelines, 2015. Collection method: clinical testing. Allele origin: germline.

Blueprint Genetics
Classification: Pathogenic for CDH23-related disorders. Last evaluated: 2023-09-05. Review status: criteria provided, single submitter. Criteria: ACMG Guidelines, 2015. Collection method: clinical testing. Allele origin: germline. Affected: yes. Observed: 4 variant alleles.

Labcorp Genetics (formerly Invitae), Labcorp
Classification: Uncertain significance. Last evaluated: 2022-05-27. Review status: criteria provided, single submitter. Criteria: Invitae Variant Classification Sherloc (09022015). Collection method: clinical testing. Allele origin: germline.
Comment: This sequence change replaces valine, which is neutral and non-polar, with phenylalanine, which is neutral and non-polar, at codon 2635 of the CDH23 protein (p.Val2635Phe). This variant is present in population databases (rs763721044, gnomAD 0.01%). This missense change has been observed in individual(s) with deafness (PMID: 19888295, 21917145). It has also been observed to segregate with disease in related individuals. ClinVar contains an entry for this variant (Variation ID: 228503). Algorithms developed to predict the effect of missense changes on protein structure and function are either unavailable or do not agree on the potential impact of this missense change (SIFT: "Deleterious"; PolyPhen-2: "Not Available"; Align-GVGD: "Class C0"). In summary, the available evidence is currently insufficient to determine the role of this variant in disease. Therefore, it has been classified as a Variant of Uncertain Significance.

Laboratory for Molecular Medicine, Mass General Brigham Personalized Medicine
Classification: Uncertain significance. Last evaluated: 2014-12-24. Review status: criteria provided, single submitter. Criteria: LMM Criteria. Collection method: clinical testing. Allele origin: germline. Observed: 3 variant alleles.
Comment: The p.Val2635Phe variant in CDH23 has been previously reported in 3 Jewish-Alger ian individuals with hearing loss (Brownstein 2011, Idan 2013). The variant was identified in the homozygous state in two of these individuals and was present i n the heterozygous state in the third individual who did not carry a second CDH2 3 variant on the other allele. The variant apparently segregated with the hearin g loss in affected family members in two pedigrees; however one family was consa nguineous (which increases the presence of homozygous variants in offspring irre spective of their clinical significance) and, although consanguinity was not rep orted for the second family, all affected family members, including two affected apparently unrelated spouses, were homozygous for the variant. The variant was not identified in 106 ethnically-matched controls; however, this sample size is too small to accurately determine the population frequency of the variant. Given that the variant has only been seen in the homozygous state and was not observe d in compound heterozygosity with a known CDH23 pathogenic variant in affected i ndividuals, as well as the fact that these families all have a unique shared anc estry with limited control data, the information in these studies does not provi de sufficient evidence to assume that the p.Val2635Phe variant is causative for hearing loss. The p.Val2635Phe variant has also been identified in 4/10962 of La tino chromosomes by the Exome Aggregation Consortium (ExAC), but this frequency is not high enough to rule out a pathogenic role . Computational prediction tools and conservation analysis suggest that this var iant may impact the protein, though this information is not predictive enough to determine pathogenicity. In summary, due to insufficient data to support pathog enicity, and the limited evidence and control data presented in the studies abov e, the clinical significance of the p.Val2635Phe variant in CDH23 is uncertain.

Laboratory of Prof. Karen Avraham, Tel Aviv University
Classification: Pathogenic for Autosomal recessive nonsyndromic hearing loss 12. Last evaluated: 2016-02-19. Review status: no assertion criteria provided. Collection method: research. Allele origin: germline. Affected: yes. Not counted in ClinVar's aggregate classification.
Comment: Congenital, profound HL

NSHL; recessive, DFNB12

Literature cited by the submitters: PubMed 19888295 (cited by 3 submitters); PubMed 21917145 (cited by Labcorp Genetics (formerly Invitae), Labcorp and Laboratory for Molecular Medicine, Mass General Brigham Personalized Medicine); PubMed 24006325 (cited by Laboratory for Molecular Medicine, Mass General Brigham Personalized Medicine).